The following is an entry in ClinVar:

NM_022124.6(CDH23):c.3142C>T (p.Arg1048Cys)

Gene: CDH23 (cadherin related 23; plus strand). Cytogenetic location: 10q22.1.
Variant type: single nucleotide variant.
Coding change: c.3142C>T on transcript NM_022124.6 (MANE Select); coding-DNA position 3142, C replaced by T.
Protein change: p.Arg1048Cys; replaces arginine 1048 with cysteine.
Molecular consequence: missense variant.
Genome position (GRCh38, 1-based): chr10:71,709,133, C>T. VCF-style: chr10-71709133-C-T. GRCh37 (hg19) VCF-style: chr10-73468890-C-T.
Other names: c.3142C>T, p.Arg1048Cys (NM_001171930.2); short protein forms R1048C.
Identifiers: ClinVar variation 1696383 (VCV001696383.5), dbSNP rs181843079, ClinGen allele CA5544491.

ClinVar aggregate classification (germline): Uncertain significance. Review status: criteria provided, multiple submitters, no conflicts (2 of 4 stars). 4 submissions from 4 submitters: Uncertain significance (4). Last evaluated 2023-02-02.

Conditions:
Inborn genetic diseases. Identifiers: MedGen C0950123, MeSH D030342.

Allele frequency attached by ClinVar (database versions not stated): ExAC 0.00007; gnomAD 0.00007; gnomAD exomes 0.00010 and 0.00014; 1000 Genomes Project 30x 0.00016; 1000 Genomes Project 0.00020.
gnomAD v4.1: 218 of 1,613,940 alleles (0.014%); highest among the groups gnomAD compares: Non-Finnish European, 0.017%; 1 homozygote.

Submissions (4):

Blueprint Genetics
Classification: Uncertain significance. Last evaluated: 2023-02-02. Review status: criteria provided, single submitter. Criteria: ACMG Guidelines, 2015. Collection method: clinical testing. Allele origin: germline.

Labcorp Genetics (formerly Invitae), Labcorp
Classification: Uncertain significance. Last evaluated: 2022-10-13. Review status: criteria provided, single submitter. Criteria: Invitae Variant Classification Sherloc (09022015). Collection method: clinical testing. Allele origin: germline.
Comment: This sequence change replaces arginine, which is basic and polar, with cysteine, which is neutral and slightly polar, at codon 1048 of the CDH23 protein (p.Arg1048Cys). This variant is present in population databases (rs181843079, gnomAD 0.02%). This variant has not been reported in the literature in individuals affected with CDH23-related conditions. ClinVar contains an entry for this variant (Variation ID: 1696383). Advanced modeling of protein sequence and biophysical properties (such as structural, functional, and spatial information, amino acid conservation, physicochemical variation, residue mobility, and thermodynamic stability) has been performed at Invitae for this missense variant, however the output from this modeling did not meet the statistical confidence thresholds required to predict the impact of this variant on CDH23 protein function. In summary, the available evidence is currently insufficient to determine the role of this variant in disease. Therefore, it has been classified as a Variant of Uncertain Significance.

Women's Health and Genetics/Laboratory Corporation of America, LabCorp
Classification: Uncertain significance. Last evaluated: 2022-05-17. Review status: criteria provided, single submitter. Criteria: LabCorp Variant Classification Summary - May 2015. Collection method: clinical testing. Allele origin: germline.
Comment: Variant summary: CDH23 c.3142C>T (p.Arg1048Cys) results in a non-conservative amino acid change in the encoded protein sequence. Three of four in-silico tools predict a damaging effect of the variant on protein function. The variant allele was found at a frequency of 9.6e-05 in 248774 control chromosomes. This frequency is not significantly higher than expected for a pathogenic variant in CDH23 causing Usher Syndrome (9.6e-05 vs 0.0032), allowing no conclusion about variant significance. To our knowledge, no occurrence of c.3142C>T in individuals affected with Usher Syndrome and no experimental evidence demonstrating its impact on protein function have been reported. No clinical diagnostic laboratories have submitted clinical-significance assessments for this variant to ClinVar after 2014. Based on the evidence outlined above, the variant was classified as uncertain significance.

Ambry Genetics
Classification: Uncertain significance for Inborn genetic diseases. Last evaluated: 2021-08-12. Review status: criteria provided, single submitter. Criteria: Ambry Variant Classification Scheme 2023. Collection method: clinical testing. Allele origin: germline.